The following is an entry in ClinVar:

NM_001709.5(BDNF):c.-22+764G>C

Gene: BDNF (brain derived neurotrophic factor; minus strand). Cytogenetic location: 11p14.1.
Variant type: single nucleotide variant.
Coding change: c.-22+764G>C on transcript NM_001709.5 (MANE Select); 764 bases into the intron after 22 bases upstream of the start codon, G replaced by C.
Molecular consequence: intron variant. On other transcripts: missense variant (1).
Genome position (GRCh38, 1-based): chr11:27,699,400, C>G on the plus strand (G>C on the coding strand, the complement: BDNF is on the minus strand). VCF-style: chr11-27699400-C-G. GRCh37 (hg19) VCF-style: chr11-27720947-C-G.
Other names: c.6G>C, p.Gln2His (NM_170734.4); c.3+22012G>C (NM_170731.5); c.-22+21244G>C (NM_001143805.1); c.-22+21029G>C (NM_001143806.1); c.-22+20946G>C (NM_170732.4); c.-22+20111G>C (NM_001143807.2); c.-22+1897G>C (NM_170733.4); c.-22+1581G>C (NM_001143808.2); and 6 more; short protein forms Q2H.
Identifiers: ClinVar variation 504942 (VCV000504942.4), dbSNP rs955482595, ClinGen allele CA219856280.

ClinVar aggregate classification (germline): Uncertain significance (1 of 4 stars; one submission).

Allele frequency attached by ClinVar (database versions not stated): TOPMed 0.00001.

Submission:

Laboratory for Molecular Medicine, Mass General Brigham Personalized Medicine
Classification: Uncertain significance. Last evaluated: 2016-04-28. Review status: criteria provided, single submitter. Criteria: LMM Criteria. Collection method: clinical testing. Allele origin: germline. Observed: 2 variant alleles.
Comment: The p.Gln2His variant in BDNF has not been previously reported in individuals wi th pulmonary disease or in large population studies. Computational prediction to ols and conservation analysis are limited or unavailable for this variant. In su mmary, the clinical significance of the p.Gln2His variant is uncertain.